The following is an entry in ClinVar:

NM_001267550.2(TTN):c.76674T>C (p.Asp25558=)

Genes: TTN (titin; minus strand), TTN-AS1 (TTN antisense RNA 1; plus strand). Cytogenetic location: 2q31.2.
Variant type: single nucleotide variant.
Coding change: c.76674T>C on transcript NM_001267550.2 (MANE Select); coding-DNA position 76674, T replaced by C.
Protein change: p.Asp25558=; no amino-acid change (aspartic acid 25558 retained).
Molecular consequence: synonymous variant.
Genome position (GRCh38, 1-based): chr2:178,569,458, A>G on the plus strand (T>C on the coding strand, the complement: TTN is on the minus strand). VCF-style: chr2-178569458-A-G. GRCh37 (hg19) VCF-style: chr2-179434185-A-G.
Other names: c.71751T>C, p.Asp23917= (NM_001256850.1); c.49479T>C, p.Asp16493= (NM_003319.4); c.49854T>C, p.Asp16618= (NM_133432.3); c.50055T>C, p.Asp16685= (NM_133437.4); c.68970T>C, p.Asp22990= (NM_133378.4).
Identifiers: ClinVar variation 228144 (VCV000228144.21), dbSNP rs375553630, ClinGen allele CA1989873.

ClinVar aggregate classification (germline): Conflicting classifications of pathogenicity. Review status: criteria provided, conflicting classifications (1 of 4 stars). 10 submissions from 6 submitters: Uncertain significance (5); Likely benign (5). Last evaluated 2026-03-23.

Conditions:
TTN-related disorder. Also called: TTN-related disorders; TTN-related condition; TTN-related disease.
Cardiovascular phenotype. Identifiers: MedGen CN230736.
Dilated cardiomyopathy 1G (CMD1G). Identifiers: Orphanet 154, MedGen C1858763, MONDO:0011400, OMIM 604145.
Autosomal recessive limb-girdle muscular dystrophy type 2J (LGMDR10). Also called: Limb-girdle muscular dystrophy, type 2J; MUSCULAR DYSTROPHY, LIMB-GIRDLE, AUTOSOMAL RECESSIVE 10. Identifiers: Orphanet 140922, MedGen C1837342, MONDO:0012127, OMIM 608807.
Early-onset myopathy with fatal cardiomyopathy (CMYO5). Also called: CONGENITAL MYOPATHY 5 WITH CARDIOMYOPATHY; Salih Myopathy. Identifiers: Orphanet 289377, MedGen C2673677, MONDO:0012714, OMIM 611705. Disease mechanism: loss of function.
Tibial muscular dystrophy (TMD). Also called: Tibial muscular dystrophy, tardive; Udd Distal Myopathy – Tibial Muscular Dystrophy; UDD MYOPATHY. Identifiers: Orphanet 609, MedGen C1838244, MONDO:0010870, OMIM 600334.
Myopathy, myofibrillar, 9, with early respiratory failure (MFM9). Also called: Myopathy, distal, with early respiratory failure, autosomal dominant; MYOPATHY, PROXIMAL, WITH EARLY RESPIRATORY MUSCLE INVOLVEMENT; Hereditary myopathy with early respiratory failure; EDSTROM MYOPATHY. Identifiers: Orphanet 178464, Orphanet 34521, MedGen C1863599, MONDO:0011362, OMIM 603689.

Allele frequency attached by ClinVar (database versions not stated): ExAC 0.00001; gnomAD exomes 0.00002 and 0.00009; gnomAD 0.00003; TOPMed 0.00003; ESP Exome Variant Server 0.00008.
gnomAD v4.1: 133 of 1,612,986 alleles (0.0082%); highest among the groups gnomAD compares: Non-Finnish European, 0.01%; no homozygotes.

Submissions (10):

PreventionGenetics, part of Exact Sciences
Classification: Likely benign for TTN-related condition. Last evaluated: 2026-03-23. Review status: criteria provided, single submitter. Criteria: ACMG Guidelines, 2015. Collection method: clinical testing. Allele origin: germline.
Comment: This variant is classified as likely benign based on ACMG/AMP sequence variant interpretation guidelines (Richards et al. 2015 PMID: 25741868, with internal and published modifications).

Labcorp Genetics (formerly Invitae), Labcorp
Classification: Likely benign for Dilated cardiomyopathy 1G; Autosomal recessive limb-girdle muscular dystrophy type 2J. Last evaluated: 2025-12-08. Review status: criteria provided, single submitter. Criteria: Invitae Variant Classification Sherloc (09022015). Collection method: clinical testing. Allele origin: germline.

Ambry Genetics
Classification: Likely benign for Cardiovascular phenotype. Last evaluated: 2023-07-05. Review status: criteria provided, single submitter. Criteria: Ambry Variant Classification Scheme 2023. Collection method: clinical testing. Allele origin: germline.

Blueprint Genetics
Classification: Likely benign. Last evaluated: 2023-01-11. Review status: criteria provided, single submitter. Criteria: ACMG Guidelines, 2015. Collection method: clinical testing. Allele origin: germline.

Illumina Laboratory Services, Illumina
Classification: Uncertain significance for Dilated cardiomyopathy 1G. Last evaluated: 2018-01-12. Review status: criteria provided, single submitter. Criteria: ICSL Variant Classification Criteria 13 December 2019. Collection method: clinical testing. Allele origin: germline.

Illumina Laboratory Services, Illumina
Classification: Uncertain significance for Early-onset myopathy with fatal cardiomyopathy. Last evaluated: 2018-01-12. Review status: criteria provided, single submitter. Criteria: ICSL Variant Classification Criteria 13 December 2019. Collection method: clinical testing. Allele origin: germline.

Illumina Laboratory Services, Illumina
Classification: Uncertain significance for Tibial muscular dystrophy. Last evaluated: 2018-01-12. Review status: criteria provided, single submitter. Criteria: ICSL Variant Classification Criteria 13 December 2019. Collection method: clinical testing. Allele origin: germline.

Illumina Laboratory Services, Illumina
Classification: Uncertain significance for Autosomal recessive limb-girdle muscular dystrophy type 2J. Last evaluated: 2018-01-12. Review status: criteria provided, single submitter. Criteria: ICSL Variant Classification Criteria 13 December 2019. Collection method: clinical testing. Allele origin: germline.

Illumina Laboratory Services, Illumina
Classification: Uncertain significance for Myopathy, myofibrillar, 9, with early respiratory failure. Last evaluated: 2018-01-12. Review status: criteria provided, single submitter. Criteria: ICSL Variant Classification Criteria 13 December 2019. Collection method: clinical testing. Allele origin: germline.

Laboratory for Molecular Medicine, Mass General Brigham Personalized Medicine
Classification: Likely benign. Last evaluated: 2015-02-02. Review status: criteria provided, single submitter. Criteria: LMM Criteria. Collection method: clinical testing. Allele origin: germline. Observed: 1 variant allele.
Comment: p.Asp22990Asp in exon 275 of TTN: This variant is not expected to have clinical significance because it does not alter an amino acid residue and is not located within the splice consensus sequence. It has been identified in 1/9956 African A merican chromosomes by the Exome Aggregation Consortium (ExAC; dbSNP rs375553630).